The following is an entry in ClinVar:

ClinVar aggregate classification (germline): Uncertain significance (1 of 4 stars; one submission).

Allele frequency attached by ClinVar (database versions not stated): gnomAD exomes below 0.00001.
gnomAD v4.1: 1 of 1,604,988 alleles (0.000062%); highest among the groups gnomAD compares: Non-Finnish European, 0.000085%; no homozygotes.

Submission:

Labcorp Genetics (formerly Invitae), Labcorp
Classification: Uncertain significance. Last evaluated: 2022-09-27. Review status: criteria provided, single submitter. Criteria: Invitae Variant Classification Sherloc (09022015). Collection method: clinical testing. Allele origin: germline.
Comment: This sequence change replaces tyrosine, which is neutral and polar, with cysteine, which is neutral and slightly polar, at codon 32 of the IFT88 protein (p.Tyr32Cys). This variant is not present in population databases (gnomAD no frequency). This variant has not been reported in the literature in individuals affected with IFT88-related conditions. Algorithms developed to predict the effect of missense changes on protein structure and function are either unavailable or do not agree on the potential impact of this missense change (SIFT: "Not Available"; PolyPhen-2: "Probably Damaging"; Align-GVGD: "Not Available"). In summary, the available evidence is currently insufficient to determine the role of this variant in disease. Therefore, it has been classified as a Variant of Uncertain Significance.

NM_006531.5(IFT88):c.68A>G (p.Tyr23Cys)

Gene: IFT88 (intraflagellar transport 88; plus strand). Cytogenetic location: 13q12.11.
Variant type: single nucleotide variant.
Coding change: c.68A>G on transcript NM_006531.5 (MANE Select); coding-DNA position 68, A replaced by G.
Protein change: p.Tyr23Cys; replaces tyrosine 23 with cysteine.
Molecular consequence: missense variant. On other transcripts: non-coding transcript variant (5), 5 prime UTR variant (1).
Genome position (GRCh38, 1-based): chr13:20,574,453, A>G. VCF-style: chr13-20574453-A-G. GRCh37 (hg19) VCF-style: chr13-21148592-A-G.
Other names: c.68A>G, p.Tyr23Cys (NM_001318491.2, NM_001353568.2, NM_001353571.2 and 5 more transcripts); c.95A>G, p.Tyr32Cys (NM_001318493.2, NM_001353565.2, NM_001353566.2 and 6 more transcripts); c.-496A>G (NM_001353579.2); short protein forms Y32C, Y23C.
Identifiers: ClinVar variation 1964871 (VCV001964871.5), dbSNP rs2547862497, ClinGen allele CA387470915.